The following is an entry in ClinVar:

ClinVar aggregate classification (germline): Uncertain significance. Review status: criteria provided, multiple submitters, no conflicts (2 of 4 stars). 2 submissions from 2 submitters: Uncertain significance (2). Last evaluated 2023-07-15.

Conditions:
Hereditary cancer-predisposing syndrome. Also called: Hereditary neoplastic syndrome; Neoplastic Syndromes, Hereditary; Tumor predisposition; Hereditary Cancer Syndrome. Identifiers: Orphanet 140162, MedGen C0027672, MeSH D009386, MONDO:0015356.

Submissions (2):

Ambry Genetics
Classification: Uncertain significance for Hereditary cancer-predisposing syndrome. Last evaluated: 2023-07-15. Review status: criteria provided, single submitter. Criteria: Ambry Variant Classification Scheme 2023. Collection method: clinical testing. Allele origin: germline.
Comment: The p.K1915R variant (also known as c.5744A>G), located in coding exon 15 of the APC gene, results from an A to G substitution at nucleotide position 5744. The lysine at codon 1915 is replaced by arginine, an amino acid with highly similar properties. This amino acid position is well conserved in available vertebrate species. In addition, in silico predictors for this gene do not accurately predict pathogenicity. Since supporting evidence is limited at this time, the clinical significance of this alteration remains unclear.

GeneDx
Classification: Uncertain significance. Last evaluated: 2016-08-03. Review status: criteria provided, single submitter. Criteria: GeneDx Variant Classification (06012015). Collection method: clinical testing. Allele origin: germline. Affected: yes.
Comment: This variant is denoted APC c.5744A>G at the cDNA level, p.Lys1915Arg (K1915R) at the protein level, and results in the change of a Lysine to an Arginine (AAG>AGG). This variant has not, to our knowledge, been published in the literature as pathogenic or benign. APC Lys1915Arg was not observed in approximately 6,500 individuals of European and African American ancestry in the NHLBI Exome Sequencing Project, suggesting it is not a common benign variant in these populations. Since Lysine and Arginine share similar properties, this is considered a conservative amino acid substitution. APC Lys1915Arg occurs at a position that is conserved across species and is located in a Beta catenin down-regulating domain and the SAMP repeats/axin binding domain (Azzopardi 2008). In silico analyses are inconsistent regarding the effect this variant may have on protein structure and function. Based on currently available evidence, it is unclear whether APC Lys1915Arg is a pathogenic or benign variant. We consider it to be a variant of uncertain significance.

NM_000038.6(APC):c.5744A>G (p.Lys1915Arg)

Gene: APC (APC regulator of Wnt signaling pathway; plus strand). Cytogenetic location: 5q22.2.
Variant type: single nucleotide variant.
Coding change: c.5744A>G on transcript NM_000038.6 (MANE Select); coding-DNA position 5744, A replaced by G.
Protein change: p.Lys1915Arg; replaces lysine 1915 with arginine.
Molecular consequence: missense variant.
Genome position (GRCh38, 1-based): chr5:112,841,338, A>G. VCF-style: chr5-112841338-A-G. GRCh37 (hg19) VCF-style: chr5-112177035-A-G.
Other names: c.5744A>G, p.Lys1915Arg (NM_001127510.3, NM_001354895.2); c.5690A>G, p.Lys1897Arg (NM_001127511.3); c.5798A>G, p.Lys1933Arg (NM_001354896.2); c.5774A>G, p.Lys1925Arg (NM_001354897.2); c.5669A>G, p.Lys1890Arg (NM_001354898.2); c.5660A>G, p.Lys1887Arg (NM_001354899.2); c.5621A>G, p.Lys1874Arg (NM_001354900.2); c.5567A>G, p.Lys1856Arg (NM_001354901.2); and 5 more; short protein forms K1897R, K1915R, K1755R, K1789R, K1890R, K1814R, K1856R, K1874R.
Identifiers: ClinVar variation 421917 (VCV000421917.7), dbSNP rs1064795445, ClinGen allele CA16033904.
Genomic context (GRCh38, chr5:112,841,338, plus strand): 5'-CCAGCCACACAGAACTAACCTCCAACCAACAATCAGCTAATAAGACACAAGCTATTGCAA[A>G]GCAGCCAATAAATCGAGGTCAGCCTAAACCCATACTTCAGAAACAATCCACTTTTCCCCA-3'
Protein context (NP_000029.2, residues 1905-1925): QSANKTQAIA[Lys1915Arg]QPINRGQPKP